The following is an entry in ClinVar:

ClinVar aggregate classification (germline): Uncertain significance (1 of 4 stars; one submission).

Allele frequency attached by ClinVar (database versions not stated): gnomAD exomes below 0.00001; ExAC 0.00002.
gnomAD v4.1: 5 of 1,614,012 alleles (0.00031%); highest among the groups gnomAD compares: Non-Finnish European, 0.00042%; no homozygotes.

Submission:

Labcorp Genetics (formerly Invitae), Labcorp
Classification: Uncertain significance. Last evaluated: 2022-07-13. Review status: criteria provided, single submitter. Criteria: Invitae Variant Classification Sherloc (09022015). Collection method: clinical testing. Allele origin: germline.
Comment: This sequence change replaces arginine, which is basic and polar, with glutamine, which is neutral and polar, at codon 335 of the TBCE protein (p.Arg335Gln). This variant is present in population databases (rs778447143, gnomAD 0.006%). This variant has not been reported in the literature in individuals affected with TBCE-related conditions. Algorithms developed to predict the effect of missense changes on protein structure and function output the following: SIFT: "Tolerated"; PolyPhen-2: "Benign"; Align-GVGD: "Class C0". The glutamine amino acid residue is found in multiple mammalian species, which suggests that this missense change does not adversely affect protein function. In summary, the available evidence is currently insufficient to determine the role of this variant in disease. Therefore, it has been classified as a Variant of Uncertain Significance.

NM_003193.5(TBCE):c.1004G>A (p.Arg335Gln)

Gene: TBCE (tubulin folding cofactor E; plus strand). Cytogenetic location: 1q42.3.
Variant type: single nucleotide variant.
Coding change: c.1004G>A on transcript NM_003193.5 (MANE Select); coding-DNA position 1004, G replaced by A.
Protein change: p.Arg335Gln; replaces arginine 335 with glutamine.
Molecular consequence: missense variant.
Genome position (GRCh38, 1-based): chr1:235,437,362, G>A. VCF-style: chr1-235437362-G-A. GRCh37 (hg19) VCF-style: chr1-235600677-G-A.
Other names: c.1004G>A, p.Arg335Gln (NM_001079515.3); c.1157G>A, p.Arg386Gln (NM_001287801.2); c.665G>A, p.Arg222Gln (NM_001287802.2); short protein forms R335Q, R386Q, R222Q.
Identifiers: ClinVar variation 1955968 (VCV001955968.5), dbSNP rs778447143, ClinGen allele CA1464316.
Genomic context (GRCh38, chr1:235,437,362, plus strand): 5'-TTCCTTTTGCTGTGTTTCAGTGGTCGTTTTTCAATGAGCTAGAGAAGTTACCAAGTCTAC[G>A]GGCTTTGTCCTGCCTAAGAAACCCCCTGACCAAAGAGGACAAAGAAGCAGAGACGGCGCG-3'
Protein context (NP_003184.1, residues 325-345): FNELEKLPSL[Arg335Gln]ALSCLRNPLT